The following is an entry in ClinVar:

ClinVar aggregate classification (germline): Likely pathogenic (1 of 4 stars; one submission).

Conditions:
Familial aortopathy. Identifiers: MedGen CN078214.

Submission:

Women's Health and Genetics/Laboratory Corporation of America, LabCorp
Classification: Likely pathogenic for Familial aortopathy. Last evaluated: 2017-11-13. Review status: criteria provided, single submitter. Criteria: LabCorp Variant Classification Summary - May 2015. Collection method: clinical testing. Allele origin: germline.
Comment: Variant summary: The COL3A1 c.1106G>T (p.Gly369Val) variant involves the alteration of a conserved nucleotide located in the Collagen triple helix repeat(IPR008160) (InterPro) affecting a critical glycine. 5/5 in silico tools predict a damaging outcome for this variant. This variant is absent in 171136 control chromosomes in gnomAD. The variant of interest has not, to our knowledge, been reported in affected individuals via publications and/or reputable databases/clinical diagnostic laboratories; nor evaluated for functional impact by in vivo/vitro studies. Taken together, this variant is classified as likely pathogenic.

NM_000090.4(COL3A1):c.1106G>T (p.Gly369Val)

Gene: COL3A1 (collagen type III alpha 1 chain; plus strand). Cytogenetic location: 2q32.2.
Variant type: single nucleotide variant.
Coding change: c.1106G>T on transcript NM_000090.4 (MANE Select); coding-DNA position 1106, G replaced by T.
Protein change: p.Gly369Val; replaces glycine 369 with valine.
Molecular consequence: missense variant.
Genome position (GRCh38, 1-based): chr2:188,993,416, G>T. VCF-style: chr2-188993416-G-T. GRCh37 (hg19) VCF-style: chr2-189858142-G-T.
Other names: short protein forms G369V.
Identifiers: ClinVar variation 633178 (VCV000633178.1), dbSNP rs1057521930, ClinGen allele CA349850952.